The following is an entry in ClinVar:

ClinVar aggregate classification (germline): Uncertain significance (1 of 4 stars; one submission).

Submission:

Ambry Genetics
Classification: Uncertain significance. Last evaluated: 2026-08-19. Review status: criteria provided, single submitter. Criteria: Ambry Variant Classification Scheme 2023. Collection method: clinical testing. Allele origin: germline.
Comment: The p.M110I variant (also known as c.330G>C), located in coding exon 5 of the FAM175A gene, results from a G to C substitution at nucleotide position 330. The methionine at codon 110 is replaced by isoleucine, an amino acid with highly similar properties. This amino acid position is conserved. In addition, the in silico prediction for this alteration is inconclusive. Based on the available evidence, the clinical significance of this variant remains unclear.

NM_139076.3(ABRAXAS1):c.330G>C (p.Met110Ile)

Gene: ABRAXAS1 (abraxas 1, BRCA1 A complex subunit; minus strand). Cytogenetic location: 4q21.23.
Variant type: single nucleotide variant.
Coding change: c.330G>C on transcript NM_139076.3 (MANE Select); coding-DNA position 330, G replaced by C.
Protein change: p.Met110Ile; replaces methionine 110 with isoleucine.
Molecular consequence: missense variant. On other transcripts: initiator codon variant (1).
Genome position (GRCh38, 1-based): chr4:83,470,349, C>G on the plus strand (G>C on the coding strand, the complement: ABRAXAS1 is on the minus strand). VCF-style: chr4-83470349-C-G. GRCh37 (hg19) VCF-style: chr4-84391502-C-G.
Other names: c.3G>C, p.Met1Ile (NM_001345962.2); short protein forms M1I, M110I.
Identifiers: ClinVar variation 5029183 (VCV005029183.1).